The following is an entry in ClinVar:

ClinVar aggregate classification (germline): Conflicting classifications of pathogenicity. Review status: criteria provided, conflicting classifications (1 of 4 stars). 3 submissions from 3 submitters: Uncertain significance (2); Likely benign (1). Last evaluated 2024-08-22.

gnomAD v4.1: 2 of 1,133,936 alleles (0.00018%); highest among the groups gnomAD compares: Non-Finnish European, 0.00022%; no homozygotes.

Submissions (3):

Quest Diagnostics Nichols Institute San Juan Capistrano
Classification: Uncertain significance. Last evaluated: 2024-08-22. Review status: criteria provided, single submitter. Criteria: Quest Diagnostics criteria. Collection method: clinical testing. Allele origin: unknown.
Comment: The GALNT12 c.193A>T (p.Met65Leu) variant has not been reported in individuals with GALNT12-related conditions in the published literature. It also has not been reported in large, multi-ethnic general populations (Genome Aggregation Database). Analysis of this variant using bioinformatics tools for the prediction of the effect of amino acid changes on protein structure and function yielded predictions that this variant is benign. Based on the available information, we are unable to determine the clinical significance of this variant.

Labcorp Genetics (formerly Invitae), Labcorp
Classification: Uncertain significance. Last evaluated: 2024-05-26. Review status: criteria provided, single submitter. Criteria: Invitae Variant Classification Sherloc (09022015). Collection method: clinical testing. Allele origin: germline.
Comment: This sequence change replaces methionine, which is neutral and non-polar, with leucine, which is neutral and non-polar, at codon 65 of the GALNT12 protein (p.Met65Leu). This variant is not present in population databases (gnomAD no frequency). This variant has not been reported in the literature in individuals affected with GALNT12-related conditions. ClinVar contains an entry for this variant (Variation ID: 485682). Algorithms developed to predict the effect of missense changes on protein structure and function output the following: SIFT: "Not Available"; PolyPhen-2: "Not Available"; Align-GVGD: "Not Available". The leucine amino acid residue is found in multiple mammalian species, which suggests that this missense change does not adversely affect protein function. In summary, the available evidence is currently insufficient to determine the role of this variant in disease. Therefore, it has been classified as a Variant of Uncertain Significance.

Ambry Genetics
Classification: Likely benign. Last evaluated: 2017-06-22. Review status: criteria provided, single submitter. Criteria: Ambry Variant Classification Scheme 2023. Collection method: clinical testing. Allele origin: germline.

NM_024642.5(GALNT12):c.193A>T (p.Met65Leu)

Gene: GALNT12 (polypeptide N-acetylgalactosaminyltransferase 12; plus strand). Cytogenetic location: 9q22.33.
Variant type: single nucleotide variant.
Coding change: c.193A>T on transcript NM_024642.5 (MANE Select); coding-DNA position 193, A replaced by T.
Protein change: p.Met65Leu; replaces methionine 65 with leucine.
Molecular consequence: missense variant.
Genome position (GRCh38, 1-based): chr9:98,807,891, A>T. VCF-style: chr9-98807891-A-T. GRCh37 (hg19) VCF-style: chr9-101570173-A-T.
Other names: short protein forms M65L.
Identifiers: ClinVar variation 485682 (VCV000485682.9), dbSNP rs1179298414, ClinGen allele CA374222494.